The following is an entry in ClinVar:

NM_003002.4(SDHD):c.103C>T (p.Leu35Phe)

Gene: SDHD (succinate dehydrogenase complex subunit D; plus strand). Cytogenetic location: 11q23.1.
Variant type: single nucleotide variant.
Coding change: c.103C>T on transcript NM_003002.4 (MANE Select); coding-DNA position 103, C replaced by T.
Protein change: p.Leu35Phe; replaces leucine 35 with phenylalanine.
Molecular consequence: missense variant. On other transcripts: non-coding transcript variant (1), intron variant (1).
Genome position (GRCh38, 1-based): chr11:112,087,907, C>T. VCF-style: chr11-112087907-C-T. GRCh37 (hg19) VCF-style: chr11-111958631-C-T.
Other names: c.103C>T (NM_003002.2); c.103C>T, p.Leu35Phe (NM_001276503.2, NM_001276506.2); c.52+948C>T (NM_001276504.2); short protein forms L35F.
Identifiers: ClinVar variation 3752413 (VCV003752413.4).

ClinVar aggregate classification (germline): Uncertain significance. Review status: criteria provided, multiple submitters, no conflicts (2 of 4 stars). 3 submissions from 3 submitters: Uncertain significance (3). Last evaluated 2025-08-04.

Conditions:
Pheochromocytoma. Also called: MAX-Related Hereditary Paraganglioma-Pheochromocytoma Syndrome. Identifiers: Orphanet 29072, MedGen C0031511, MONDO:0008233, OMIM 171300, HP:0002666.
Paragangliomas with sensorineural hearing loss. Identifiers: MedGen C1868633.
Carney-Stratakis syndrome. Also called: PARAGANGLIOMA AND GASTROINTESTINAL STROMAL TUMOR. Identifiers: Orphanet 97286, MedGen C1847319, MONDO:0011740, OMIM 606864.
Cowden syndrome 3 (CWS3). Identifiers: Orphanet 201, MedGen CN166604, MONDO:0014045.
Hereditary pheochromocytoma and paraganglioma. Also called: Hereditary paragangliomas and pheochromocytomas; Hereditary Paraganglioma-Pheochromocytoma Syndromes; Hereditary pheochromocytoma-paraganglioma. Identifiers: Orphanet 29072, MedGen C4274332, MONDO:0017366.
Hereditary cancer-predisposing syndrome. Also called: Tumor predisposition; Hereditary Cancer Syndrome; Neoplastic Syndromes, Hereditary; Hereditary neoplastic syndrome. Identifiers: Orphanet 140162, MedGen C0027672, MeSH D009386, MONDO:0015356.

Submissions (3):

Color Diagnostics, LLC DBA Color Health
Classification: Uncertain significance for Hereditary pheochromocytoma and paraganglioma. Last evaluated: 2025-08-04. Review status: criteria provided, single submitter. Criteria: ACMG Guidelines, 2015. Collection method: clinical testing. Allele origin: germline.
Comment: This missense variant replaces leucine with phenylalanine at codon 35 of the SDHD protein. Computational prediction is inconclusive regarding the impact of this variant on protein structure and function. To our knowledge, functional studies have not been reported for this variant. This variant has not been reported in individuals affected with SDHD-related disorders in the literature. This variant has not been identified in the general population by the Genome Aggregation Database (gnomAD). The available evidence is insufficient to determine the role of this variant in disease conclusively. Therefore, this variant is classified as a Variant of Uncertain Significance.

Ambry Genetics
Classification: Uncertain significance for Hereditary cancer-predisposing syndrome. Last evaluated: 2025-05-25. Review status: criteria provided, single submitter. Criteria: Ambry Variant Classification Scheme 2023. Collection method: clinical testing. Allele origin: germline.
Comment: The p.L35F variant (also known as c.103C>T), located in coding exon 2 of the SDHD gene, results from a C to T substitution at nucleotide position 103. The leucine at codon 35 is replaced by phenylalanine, an amino acid with highly similar properties. This amino acid position is conserved. In silico splice site analysis predicts that this alteration may weaken the native splice acceptor site. RNA studies have demonstrated that this alteration results in an incomplete splice defect; the clinical impact of this abnormal splicing is unknown at this time (Ambry internal data). In addition, this alteration is predicted to be deleterious by in silico analysis. Based on the available evidence, the clinical significance of this variant remains unclear.

Labcorp Genetics (formerly Invitae), Labcorp
Classification: Uncertain significance for Carney-Stratakis syndrome; Paragangliomas with sensorineural hearing loss; Pheochromocytoma; Cowden syndrome 3. Last evaluated: 2024-10-28. Review status: criteria provided, single submitter. Criteria: Invitae Variant Classification Sherloc (09022015). Collection method: clinical testing. Allele origin: germline.
Comment: This sequence change replaces leucine, which is neutral and non-polar, with phenylalanine, which is neutral and non-polar, at codon 35 of the SDHD protein (p.Leu35Phe). This variant is not present in population databases (gnomAD no frequency). This variant has not been reported in the literature in individuals affected with SDHD-related conditions. Invitae Evidence Modeling of protein sequence and biophysical properties (such as structural, functional, and spatial information, amino acid conservation, physicochemical variation, residue mobility, and thermodynamic stability) indicates that this missense variant is not expected to disrupt SDHD protein function with a negative predictive value of 80%. Algorithms developed to predict the effect of sequence changes on RNA splicing suggest that this variant may disrupt the consensus splice site. In summary, the available evidence is currently insufficient to determine the role of this variant in disease. Therefore, it has been classified as a Variant of Uncertain Significance.